The following is an entry in ClinVar:

NM_006445.4(PRPF8):c.2471C>G (p.Pro824Arg)

Gene: PRPF8 (pre-mRNA processing factor 8; minus strand). Cytogenetic location: 17p13.3.
Variant type: single nucleotide variant.
Coding change: c.2471C>G on transcript NM_006445.4 (MANE Select); coding-DNA position 2471, C replaced by G.
Protein change: p.Pro824Arg; replaces proline 824 with arginine.
Molecular consequence: missense variant.
Genome position (GRCh38, 1-based): chr17:1,676,288, G>C on the plus strand (C>G on the coding strand, the complement: PRPF8 is on the minus strand). VCF-style: chr17-1676288-G-C. GRCh37 (hg19) VCF-style: chr17-1579582-G-C.
Other names: short protein forms P824R.
Identifiers: ClinVar variation 1713515 (VCV001713515.6), dbSNP rs2543768187, ClinGen allele CA397551079.
Genomic context (GRCh38, chr17:1,676,288, plus strand): 5'-TCCAATGCCAAGATGAGCAACTTGGTGTCATGCTTATAGGAGAGTGGGGGGAATGGGATG[G>C]GTGAAAACCTGCGGCTTTCCAACCAATGCACTGTGGTGGTATATACTGCCACTGCTTCCT-3'
Protein context (NP_006436.3, residues 814-834): VHWLESRRFS[Pro824Arg]IPFPPLSYKH

ClinVar aggregate classification (germline): Uncertain significance (1 of 4 stars; one submission).

Submission:

Labcorp Genetics (formerly Invitae), Labcorp
Classification: Uncertain significance. Last evaluated: 2022-07-25. Review status: criteria provided, single submitter. Criteria: Invitae Variant Classification Sherloc (09022015). Collection method: clinical testing. Allele origin: germline.
Comment: In summary, the available evidence is currently insufficient to determine the role of this variant in disease. Therefore, it has been classified as a Variant of Uncertain Significance. Algorithms developed to predict the effect of missense changes on protein structure and function are either unavailable or do not agree on the potential impact of this missense change (SIFT: "Deleterious"; PolyPhen-2: "Possibly Damaging"; Align-GVGD: "Class C0"). This variant has not been reported in the literature in individuals affected with PRPF8-related conditions. This variant is not present in population databases (gnomAD no frequency). This sequence change replaces proline, which is neutral and non-polar, with arginine, which is basic and polar, at codon 824 of the PRPF8 protein (p.Pro824Arg).